The following is an entry in ClinVar:

ClinVar aggregate classification (germline): Uncertain significance. Review status: criteria provided, multiple submitters, no conflicts (2 of 4 stars). 2 submissions from 2 submitters: Uncertain significance (2). Last evaluated 2020-02-05.

Submissions (2):

Labcorp Genetics (formerly Invitae), Labcorp
Classification: Uncertain significance. Last evaluated: 2020-02-05. Review status: criteria provided, single submitter. Criteria: Invitae Variant Classification Sherloc (09022015). Collection method: clinical testing. Allele origin: germline.
Comment: In summary, the available evidence is currently insufficient to determine the role of this variant in disease. Therefore, it has been classified as a Variant of Uncertain Significance. Algorithms developed to predict the effect of missense changes on protein structure and function output the following: SIFT: "Tolerated"; PolyPhen-2: "Benign"; Align-GVGD: "Class C0". The isoleucine amino acid residue is found in multiple mammalian species, suggesting that this missense change does not adversely affect protein function. These predictions have not been confirmed by published functional studies and their clinical significance is uncertain. This variant has not been reported in the literature in individuals with EYS-related conditions. This variant is not present in population databases (ExAC no frequency). This sequence change replaces methionine with isoleucine at codon 777 of the EYS protein (p.Met777Ile). The methionine residue is moderately conserved and there is a small physicochemical difference between methionine and isoleucine.

Blueprint Genetics
Classification: Uncertain significance. Last evaluated: 2017-07-25. Review status: criteria provided, single submitter. Criteria: ACMG Guidelines, 2015. Collection method: clinical testing. Allele origin: germline.

NM_001142800.2(EYS):c.2331G>T (p.Met777Ile)

Gene: EYS (EGF-like photoreceptor maintenance factor; minus strand). Cytogenetic location: 6q12.
Variant type: single nucleotide variant.
Coding change: c.2331G>T on transcript NM_001142800.2 (MANE Select); coding-DNA position 2331, G replaced by T.
Protein change: p.Met777Ile; replaces methionine 777 with isoleucine.
Molecular consequence: missense variant.
Genome position (GRCh38, 1-based): chr6:64,945,843, C>A on the plus strand (G>T on the coding strand, the complement: EYS is on the minus strand). VCF-style: chr6-64945843-C-A. GRCh37 (hg19) VCF-style: chr6-65655736-C-A.
Other names: c.2331G>T, p.Met777Ile (NM_001292009.2); short protein forms M777I.
Identifiers: ClinVar variation 864785 (VCV000864785.10), dbSNP rs1769269524, ClinGen allele CA364788111.
Genomic context (GRCh38, chr6:64,945,843, plus strand): 5'-TGTTACTCACCGATAGCTTTTGTAAAGGTCAGTACAGGTGGAATTGTTCTTGCAAGGATT[C>A]ATTTTACACTCATTGGATTCTTGTTCACAAAAATTTCCTTCCCAATCAGATAGGCACACA-3'
Protein context (NP_001136272.1, residues 767-787): FCEQESNECK[Met777Ile]NPCKNNSTCT